The following is an entry in ClinVar:

ClinVar aggregate classification (germline): Benign. Review status: reviewed by expert panel (3 of 4 stars). 7 submissions from 7 submitters: Benign (1). 6 of the submissions do not count toward it. Last evaluated 2026-06-23.

Conditions:
Galactosemia. Also called: Galactose intolerance. Identifiers: Orphanet 352, MedGen C0016952, MONDO:0018116, HP:0004919. Disease mechanism: loss of function.
Deficiency of UDPglucose-hexose-1-phosphate uridylyltransferase. Also called: GALACTOSE-1-PHOSPHATE URIDYLYLTRANSFERASE DEFICIENCY; Transferase Deficiency Galactosemia; GALACTOSEMIA I; GALT deficiency; Galactosemia, classic. Identifiers: Orphanet 352, Orphanet 79239, MedGen C0268151, MONDO:0009258, OMIM 230400.

Allele frequency attached by ClinVar (database versions not stated): 1000 Genomes Project 0.01278; 1000 Genomes Project 30x 0.01312; TOPMed 0.01315; ESP Exome Variant Server 0.01399.
gnomAD v4.1: 3,605 of 1,614,142 alleles (0.22%); highest among the groups gnomAD compares: African/African-American, 4.3%; 65 homozygotes.

Submissions (7):

Clingen Galactosemia Variant Curation Expert Panel, ClinGen
Classification: Benign for Galactosemia. Last evaluated: 2026-06-23. Review status: reviewed by expert panel. Criteria: ClinGen Galactosemia ACMG Specifications GALT V1.1. Collection method: curation. Allele origin: germline. Inheritance: Autosomal recessive inheritance.
Comment: The c.508-17G>A variant is a single base substitution in intron 5 of GALT. This variant is not predicted by SpliceAI to impact splicing. In addition, it occurs at a nucleotide that is not predicted to be involved in splicing and the codon usage is not predicted to be significantly different (BP4, BP7). The filtering allele frequency of the c.508-17G>A variant in GALT is 0.04424 for African chromosomes by gnomAD v4.1.0, which is higher than the ClinGen Galactosemia VCEP threshold (≥ 0.01 or 1%) for BA1, and therefore meets this criterion (BA1). In summary, this variant meets the criteria to be classified as benign for galactosemia based on the ACMG/AMP criteria applied, as specified by the ClinGen Galactosemia VCEP: BA1,BP4, BP7 (GALT specifications v1.0.0).

Labcorp Genetics (formerly Invitae), Labcorp
Classification: Benign for Deficiency of UDPglucose-hexose-1-phosphate uridylyltransferase. Last evaluated: 2026-02-04. Review status: criteria provided, single submitter. Criteria: Invitae Variant Classification Sherloc (09022015). Collection method: clinical testing. Allele origin: germline. Not counted in ClinVar's aggregate classification.

Mayo Clinic Laboratories, Mayo Clinic
Classification: Benign. Last evaluated: 2024-09-05. Review status: criteria provided, single submitter. Criteria: ACMG Guidelines, 2015. Collection method: clinical testing. Allele origin: germline. Observed: 8 variant alleles. Not counted in ClinVar's aggregate classification.
Comment: BA1, BP4, BP7

ARUP Laboratories, Molecular Genetics and Genomics, ARUP Laboratories
Classification: Benign for Deficiency of UDPglucose-hexose-1-phosphate uridylyltransferase. Last evaluated: 2022-04-14. Review status: criteria provided, single submitter. Criteria: ARUP Molecular Germline Variant Investigation Process 2021. Collection method: clinical testing. Allele origin: germline. Not counted in ClinVar's aggregate classification.

Eurofins Ntd Llc (ga)
Classification: Benign. Last evaluated: 2015-11-06. Review status: criteria provided, single submitter. Criteria: EGL Classification Definitions 2015. Collection method: clinical testing. Allele origin: germline. Observed: 2 variant alleles, 2 heterozygotes. Not counted in ClinVar's aggregate classification.

Women's Health and Genetics/Laboratory Corporation of America, LabCorp
Classification: Benign for Galactosemia. Last evaluated: 2011-08-18. Review status: criteria provided, single submitter. Criteria: LabCorp Variant Classification Summary - May 2015. Collection method: curation, clinical testing. Allele origin: germline. Inheritance: autosomal unknown. Affected: yes. Not counted in ClinVar's aggregate classification.
ClinVar note: Converted during submission from benign to Benign.

Natera, Inc.
Classification: Benign for Galactosemia. Last evaluated: 2020-09-16. Review status: no assertion criteria provided. Collection method: clinical testing. Allele origin: germline. Not counted in ClinVar's aggregate classification.

NM_000155.4(GALT):c.508-17G>A

Gene: GALT (galactose-1-phosphate uridylyltransferase; plus strand). Cytogenetic location: 9p13.3.
Variant type: single nucleotide variant.
Coding change: c.508-17G>A on transcript NM_000155.4 (MANE Select); 17 bases into the intron before coding-DNA position 508, G replaced by A.
Molecular consequence: intron variant.
Genome position (GRCh38, 1-based): chr9:34,648,098, G>A. VCF-style: chr9-34648098-G-A. GRCh37 (hg19) VCF-style: chr9-34648095-G-A.
Other names: p.?; c.181-17G>A (NM_001258332.2).
Identifiers: ClinVar variation 36148 (VCV000036148.26), dbSNP rs12000481, ClinGen allele CA260406.